The following is an entry in ClinVar:

NM_025243.4(SLC19A3):c.979+15C>T

Gene: SLC19A3 (solute carrier family 19 member 3; minus strand). Cytogenetic location: 2q36.3.
Variant type: single nucleotide variant.
Coding change: c.979+15C>T on transcript NM_025243.4 (MANE Select); 15 bases into the intron after coding-DNA position 979, C replaced by T.
Molecular consequence: intron variant.
Genome position (GRCh38, 1-based): chr2:227,698,721, G>A on the plus strand (C>T on the coding strand, the complement: SLC19A3 is on the minus strand). VCF-style: chr2-227698721-G-A. GRCh37 (hg19) VCF-style: chr2-228563437-G-A.
Identifiers: ClinVar variation 512110 (VCV000512110.4), dbSNP rs753469461, ClinGen allele CA2149204.

ClinVar aggregate classification (germline): Likely benign. Review status: criteria provided, multiple submitters, no conflicts (2 of 4 stars). 2 submissions from 2 submitters: Likely benign (2). Last evaluated 2025-02-03.

Conditions:
Biotin-responsive basal ganglia disease (BTBGD). Also called: Thiamine metabolism dysfunction syndrome type 2; THIAMINE METABOLISM DYSFUNCTION SYNDROME 2 (BIOTIN- AND THIAMINE-RESPONSIVE TYPE); Thiamine Transporter-2 Deficiency; Thiamine metabolism dysfunction syndrome 2 (biotin- or thiamine-responsive encephalopathy type 2); thiamine-responsive encephalopathy. Identifiers: Orphanet 199348, Orphanet 65284, MedGen C1843807, MONDO:0011841, OMIM 607483.

Allele frequency attached by ClinVar (database versions not stated): gnomAD exomes below 0.00001; ExAC 0.00001; gnomAD 0.00001; TOPMed 0.00001.
gnomAD v4.1: 5 of 1,605,930 alleles (0.00031%); highest among the groups gnomAD compares: Non-Finnish European, 0.00043%; no homozygotes.

Submissions (2):

Labcorp Genetics (formerly Invitae), Labcorp
Classification: Likely benign for Biotin-responsive basal ganglia disease. Last evaluated: 2025-02-03. Review status: criteria provided, single submitter. Criteria: Invitae Variant Classification Sherloc (09022015). Collection method: clinical testing. Allele origin: germline.

GeneDx
Classification: Likely benign. Last evaluated: 2017-09-29. Review status: criteria provided, single submitter. Criteria: GeneDx Variant Classification (06012015). Collection method: clinical testing. Allele origin: germline. Affected: yes.
Comment: This variant is considered likely benign or benign based on one or more of the following criteria: it is a conservative change, it occurs at a poorly conserved position in the protein, it is predicted to be benign by multiple in silico algorithms, and/or has population frequency not consistent with disease.